The following is an entry in ClinVar:

NM_006516.4(SLC2A1):c.27G>A (p.Thr9=)

Gene: SLC2A1 (solute carrier family 2 member 1; minus strand). Cytogenetic location: 1p34.2.
Variant type: single nucleotide variant.
Coding change: c.27G>A on transcript NM_006516.4 (MANE Select); coding-DNA position 27, G replaced by A.
Protein change: p.Thr9=; no amino-acid change (threonine 9 retained).
Molecular consequence: synonymous variant.
Genome position (GRCh38, 1-based): chr1:42,943,313, C>T on the plus strand (G>A on the coding strand, the complement: SLC2A1 is on the minus strand). VCF-style: chr1-42943313-C-T. GRCh37 (hg19) VCF-style: chr1-43408984-C-T.
Other names: p.T9T:ACG>ACA; p.Thr9=; c.27G>A (NM_006516.3).
Identifiers: ClinVar variation 139155 (VCV000139155.78), dbSNP rs34025424, ClinGen allele CA019138.

ClinVar aggregate classification (germline): Benign/Likely benign. Review status: criteria provided, multiple submitters, no conflicts (2 of 4 stars). 22 submissions from 17 submitters: Benign (9); Likely benign (10). 3 of the submissions do not count toward it. Last evaluated 2026-08-01.

Conditions:
Inborn genetic diseases. Identifiers: MedGen C0950123, MeSH D030342.
Hereditary cryohydrocytosis with reduced stomatin. Also called: Stomatin-deficient cryohydrocytosis with neurologic defects; GLUT1 DEFICIENCY SYNDROME WITH PSEUDOHYPERKALEMIA AND HEMOLYSIS. Identifiers: Orphanet 168577, MedGen C1837206, MONDO:0012143, OMIM 608885.
Dystonia 9 (DYT9). Also called: CHOREOATHETOSIS, KINESIGENIC, WITH EPISODIC ATAXIA AND SPASTICITY. Identifiers: Orphanet 53583, MedGen C1832855, MONDO:0010983, OMIM 601042.
Epilepsy, idiopathic generalized, susceptibility to, 12 (EIG12). Identifiers: MedGen C3553859, MONDO:0013919, OMIM 614847.
Encephalopathy due to GLUT1 deficiency. Also called: Classic Glucose Transporter Type 1 Deficiency Syndrome; GLUCOSE TRANSPORT DEFECT, BLOOD-BRAIN BARRIER; Glucose transporter protein syndrome; De Vivo disease; GLUT1 deficiency syndrome 1; GLUT1 deficiency syndrome 1, infantile onset, severe. Identifiers: Orphanet 71277, MedGen C4551966, MONDO:0011724, OMIM 606777.
GLUT1 deficiency syndrome 1, autosomal recessive. Identifiers: MedGen C3149117.
Childhood onset GLUT1 deficiency syndrome 2. Also called: PxMD-SLC2A1; Exertion-induced paroxysmal dyskinesia; PAROXYSMAL EXERCISE-INDUCED DYSKINESIA WITH OR WITHOUT EPILEPSY AND/OR HEMOLYTIC ANEMIA; PAROXYSMAL EXERTION-INDUCED DYSTONIA WITH OR WITHOUT EPILEPSY AND/OR HEMOLYTIC ANEMIA; PED WITH OR WITHOUT EPILEPSY AND/OR HEMOLYTIC ANEMIA; Paroxysmal exercise-induced dystonia. Identifiers: Orphanet 98811, MedGen C1842534, MONDO:0012805, OMIM 612126.

Allele frequency attached by ClinVar (database versions not stated): 1000 Genomes Project 0.00060; 1000 Genomes Project 30x 0.00062; gnomAD exomes 0.00176; ExAC 0.00178; TOPMed 0.00213; ESP Exome Variant Server 0.00261.

Submissions (22):

CeGaT Center for Human Genetics Tuebingen
Classification: Likely benign. Last evaluated: 2026-08-01. Review status: criteria provided, single submitter. Criteria: CeGaT Center For Human Genetics Tuebingen Variant Classification Criteria Version 2. Collection method: clinical testing. Allele origin: germline. Affected: yes. Observed: 51 variant alleles.
Comment: SLC2A1: BP4, BP7

Labcorp Genetics (formerly Invitae), Labcorp
Classification: Benign for GLUT1 deficiency syndrome 1, autosomal recessive. Last evaluated: 2026-01-28. Review status: criteria provided, single submitter. Criteria: Invitae Variant Classification Sherloc (09022015). Collection method: clinical testing. Allele origin: germline.

Mayo Clinic Laboratories, Mayo Clinic
Classification: Benign. Last evaluated: 2025-09-02. Review status: criteria provided, single submitter. Criteria: ACMG Guidelines, 2015. Collection method: clinical testing. Allele origin: germline. Observed: 13 variant alleles.
Comment: BS1, BS2, BP4, BP7

ARUP Laboratories, Molecular Genetics and Genomics, ARUP Laboratories
Classification: Benign. Last evaluated: 2025-02-12. Review status: criteria provided, single submitter. Criteria: ARUP Molecular Germline Variant Investigation Process 2024. Collection method: clinical testing. Allele origin: germline.

Blueprint Genetics
Classification: Likely benign. Last evaluated: 2024-11-08. Review status: criteria provided, single submitter. Criteria: ACMG Guidelines, 2015. Collection method: clinical testing. Allele origin: germline.

Genome-Nilou Lab
Classification: Likely benign for Epilepsy, idiopathic generalized, susceptibility to, 12. Last evaluated: 2023-04-11. Review status: criteria provided, single submitter. Criteria: ACMG Guidelines, 2015. Collection method: clinical testing. Allele origin: germline. Affected: no.

Genome-Nilou Lab
Classification: Likely benign for Dystonia 9. Last evaluated: 2023-04-11. Review status: criteria provided, single submitter. Criteria: ACMG Guidelines, 2015. Collection method: clinical testing. Allele origin: germline. Affected: no.

Genome-Nilou Lab
Classification: Likely benign for Encephalopathy due to GLUT1 deficiency. Last evaluated: 2023-04-11. Review status: criteria provided, single submitter. Criteria: ACMG Guidelines, 2015. Collection method: clinical testing. Allele origin: germline. Affected: no.

Genome-Nilou Lab
Classification: Likely benign for Childhood onset GLUT1 deficiency syndrome 2. Last evaluated: 2023-04-11. Review status: criteria provided, single submitter. Criteria: ACMG Guidelines, 2015. Collection method: clinical testing. Allele origin: germline. Affected: no.

Genome-Nilou Lab
Classification: Likely benign for Hereditary cryohydrocytosis with reduced stomatin. Last evaluated: 2023-04-11. Review status: criteria provided, single submitter. Criteria: ACMG Guidelines, 2015. Collection method: clinical testing. Allele origin: germline. Affected: no.

Athena Diagnostics
Classification: Benign. Last evaluated: 2019-05-16. Review status: criteria provided, single submitter. Criteria: Athena Diagnostics Criteria. Collection method: clinical testing. Allele origin: germline.

Illumina Laboratory Services, Illumina
Classification: Benign for Encephalopathy due to GLUT1 deficiency. Last evaluated: 2018-01-12. Review status: criteria provided, single submitter. Criteria: ICSL Variant Classification Criteria 13 December 2019. Collection method: clinical testing. Allele origin: germline.
Comment: This variant was observed in the ICSL laboratory as part of a predisposition screen in an ostensibly healthy population. It had not been previously curated by ICSL or reported in the Human Gene Mutation Database (HGMD: prior to June 1st, 2018), and was therefore a candidate for classification through an automated scoring system. Utilizing variant allele frequency, disease prevalence and penetrance estimates, and inheritance mode, an automated score was calculated to assess if this variant is too frequent to cause the disease. Based on the score and internal cut-off values, a variant classified as benign is not then subjected to further curation. The score for this variant resulted in a classification of benign for this disease.

Illumina Laboratory Services, Illumina
Classification: Benign for Dystonia 9. Last evaluated: 2018-01-12. Review status: criteria provided, single submitter. Criteria: ICSL Variant Classification Criteria 13 December 2019. Collection method: clinical testing. Allele origin: germline.
Comment: the same text as in the submission from Illumina Laboratory Services, Illumina above.

Ambry Genetics
Classification: Likely benign for Inborn genetic diseases. Last evaluated: 2016-06-08. Review status: criteria provided, single submitter. Criteria: Ambry Variant Classification Scheme 2023. Collection method: clinical testing. Allele origin: germline.

Eurofins Ntd Llc (ga)
Classification: Benign. Last evaluated: 2016-01-07. Review status: criteria provided, single submitter. Criteria: EGL Classification Definitions 2015. Collection method: clinical testing. Allele origin: germline. Observed: 5 variant alleles, 5 heterozygotes.

GeneDx
Classification: Benign. Last evaluated: 2013-06-20. Review status: criteria provided, single submitter. Criteria: GeneDx Variant Classification (06012015). Collection method: clinical testing. Allele origin: germline. Affected: yes.
Comment: This variant is considered likely benign or benign based on one or more of the following criteria: it is a conservative change, it occurs at a poorly conserved position in the protein, it is predicted to be benign by multiple in silico algorithms, and/or has population frequency not consistent with disease.

Genetic Services Laboratory, University of Chicago
Classification: Benign. Last evaluated: 2013-04-16. Review status: criteria provided, single submitter. Criteria: ACMG Guidelines, 2007. Collection method: clinical testing. Allele origin: germline. Inheritance: Autosomal dominant inheritance.

Breakthrough Genomics
Classification: Likely benign. Review status: criteria provided, single submitter. Criteria: ACMG Guidelines, 2015. Collection method: not provided. Allele origin: germline. Inheritance: Autosomal dominant inheritance. Affected: yes.

PreventionGenetics, part of Exact Sciences
Classification: Likely benign. Review status: criteria provided, single submitter. Criteria: ACMG Guidelines, 2015. Collection method: clinical testing. Allele origin: germline.

Clinical Genetics DNA and cytogenetics Diagnostics Lab, Erasmus MC, Erasmus Medical Center
Classification: Likely benign. Review status: no assertion criteria provided. Collection method: clinical testing. Allele origin: germline. Affected: yes. Study: VKGL Data-share Consensus. Not counted in ClinVar's aggregate classification.

Diagnostic Laboratory, Department of Genetics, University Medical Center Groningen
Classification: Likely benign. Review status: no assertion criteria provided. Collection method: clinical testing. Allele origin: germline. Affected: yes. Study: VKGL Data-share Consensus. Not counted in ClinVar's aggregate classification.

Joint Genome Diagnostic Labs from Nijmegen and Maastricht, Radboudumc and MUMC+
Classification: Benign. Review status: no assertion criteria provided. Collection method: clinical testing. Allele origin: germline. Affected: yes. Study: VKGL Data-share Consensus. Not counted in ClinVar's aggregate classification.

Literature cited by the submitters: PubMed 25914049 (cited by Mayo Clinic Laboratories, Mayo Clinic); PubMed 28419980 (cited by Mayo Clinic Laboratories, Mayo Clinic).